The following is an entry in ClinVar:

NM_003072.5(SMARCA4):c.3407G>A (p.Gly1136Asp)

Gene: SMARCA4 (SWI/SNF related BAF chromatin remodeling complex subunit ATPase 4; plus strand). Cytogenetic location: 19p13.2.
Variant type: single nucleotide variant.
Coding change: c.3407G>A on transcript NM_003072.5 (MANE Select); coding-DNA position 3407, G replaced by A.
Protein change: p.Gly1136Asp; replaces glycine 1136 with aspartic acid.
Molecular consequence: missense variant. On other transcripts: non-coding transcript variant (1).
Genome position (GRCh38, 1-based): chr19:11,030,754, G>A. VCF-style: chr19-11030754-G-A. GRCh37 (hg19) VCF-style: chr19-11141430-G-A.
Other names: c.3407G>A, p.Gly1136Asp (NM_001128844.3, NM_001128845.2, NM_001128846.2 and 4 more transcripts); short protein forms G1136D.
Identifiers: ClinVar variation 1002360 (VCV001002360.6), dbSNP rs2074871956, ClinGen allele CA404062590.

ClinVar aggregate classification (germline): Uncertain significance (1 of 4 stars; one submission).

Conditions:
Rhabdoid tumor predisposition syndrome 2 (RTPS2). Identifiers: Orphanet 231108, Orphanet 69077, MedGen C2750074, MONDO:0013224, OMIM 613325.

Submission:

Labcorp Genetics (formerly Invitae), Labcorp
Classification: Uncertain significance for Rhabdoid tumor predisposition syndrome 2. Last evaluated: 2024-05-15. Review status: criteria provided, single submitter. Criteria: Invitae Variant Classification Sherloc (09022015). Collection method: clinical testing. Allele origin: germline.
Comment: This sequence change replaces glycine, which is neutral and non-polar, with aspartic acid, which is acidic and polar, at codon 1136 of the SMARCA4 protein (p.Gly1136Asp). This variant is not present in population databases (gnomAD no frequency). This variant has not been reported in the literature in individuals affected with SMARCA4-related conditions. ClinVar contains an entry for this variant (Variation ID: 1002360). Advanced modeling of protein sequence and biophysical properties (such as structural, functional, and spatial information, amino acid conservation, physicochemical variation, residue mobility, and thermodynamic stability) performed at Invitae indicates that this missense variant is expected to disrupt SMARCA4 protein function with a positive predictive value of 95%. In summary, the available evidence is currently insufficient to determine the role of this variant in disease. Therefore, it has been classified as a Variant of Uncertain Significance.